The following is an entry in ClinVar:

NM_000091.5(COL4A3):c.4144_4151del (p.Gly1382fs)

Genes: COL4A3 (collagen type IV alpha 3 chain; plus strand), MFF-DT (MFF divergent transcript; minus strand). Cytogenetic location: 2q36.3.
Variant type: Deletion.
Coding change: c.4144_4151del on transcript NM_000091.5 (MANE Select); coding-DNA positions 4144 to 4151, 8 bases deleted (GGAAACCT; older notation c.4144_4151delGGAAACCT).
Protein change: p.Gly1382fs; shifts the reading frame from glycine 1382.
Molecular consequence: frameshift variant.
Genome position (GRCh38, 1-based): chr2:227,304,135-227,304,142, GGAAACCT deleted; deleting any 8 consecutive bases within chr2:227,304,131-227,304,142 gives the same sequence; the c. name uses the placement nearest the transcript's 3' end. VCF-style (leftmost placement, unchanged base first): chr2-227304130-CACCTGGAA-C. GRCh37 (hg19) VCF-style: chr2-228168846-CACCTGGAA-C.
Other names: short protein forms G1382fs.
Identifiers: ClinVar variation 2101391 (VCV002101391.4), dbSNP rs2469910738, ClinGen allele CA2580066031.

ClinVar aggregate classification (germline): Pathogenic (1 of 4 stars; one submission).

Submission:

Labcorp Genetics (formerly Invitae), Labcorp
Classification: Pathogenic. Last evaluated: 2022-03-03. Review status: criteria provided, single submitter. Criteria: Invitae Variant Classification Sherloc (09022015). Collection method: clinical testing. Allele origin: germline.
Comment: For these reasons, this variant has been classified as Pathogenic. Algorithms developed to predict the effect of sequence changes on RNA splicing suggest that this variant may disrupt the consensus splice site. This variant has not been reported in the literature in individuals affected with COL4A3-related conditions. This variant is not present in population databases (gnomAD no frequency). This sequence change creates a premature translational stop signal (p.Gly1382Argfs*8) in the COL4A3 gene. It is expected to result in an absent or disrupted protein product. Loss-of-function variants in COL4A3 are known to be pathogenic (PMID: 8956999, 24854265, 26809805, 27281700).

Literature cited by the submitters: PubMed 8956999; PubMed 24854265; PubMed 26809805; PubMed 27281700.